The following is an entry in ClinVar:

NM_001482.3(GATM):c.1234G>A (p.Val412Ile)

Gene: GATM (glycine amidinotransferase; minus strand). Cytogenetic location: 15q21.1.
Variant type: single nucleotide variant.
Coding change: c.1234G>A on transcript NM_001482.3 (MANE Select); coding-DNA position 1234, G replaced by A.
Protein change: p.Val412Ile; replaces valine 412 with isoleucine.
Molecular consequence: missense variant.
Genome position (GRCh38, 1-based): chr15:45,362,147, C>T on the plus strand (G>A on the coding strand, the complement: GATM is on the minus strand). VCF-style: chr15-45362147-C-T. GRCh37 (hg19) VCF-style: chr15-45654345-C-T.
Other names: c.847G>A, p.Val283Ile (NM_001321015.2); short protein forms V412I, V283I.
Identifiers: ClinVar variation 2699173 (VCV002699173.3), dbSNP rs2541981090, ClinGen allele CA392254726.

ClinVar aggregate classification (germline): Uncertain significance (1 of 4 stars; one submission).

Conditions:
Arginine:glycine amidinotransferase deficiency (CCDS3). Also called: Cerebral creatine deficiency syndrome 3; AGAT deficiency; L-Arginine:Glycine Amidinotransferase Deficiency; Creatine deficiency syndrome due to AGAT deficiency; GATM deficiency; L-Arginine:Glycine Amidinotransferase (AGAT) Deficiency. Identifiers: Orphanet 35704, MedGen C2675179, MONDO:0012996, OMIM 612718.

Submission:

Labcorp Genetics (formerly Invitae), Labcorp
Classification: Uncertain significance for Arginine:glycine amidinotransferase deficiency. Last evaluated: 2024-09-05. Review status: criteria provided, single submitter. Criteria: Invitae Variant Classification Sherloc (09022015). Collection method: clinical testing. Allele origin: germline.
Comment: This sequence change replaces valine, which is neutral and non-polar, with isoleucine, which is neutral and non-polar, at codon 412 of the GATM protein (p.Val412Ile). This variant is not present in population databases (gnomAD no frequency). This variant has not been reported in the literature in individuals affected with GATM-related conditions. Invitae Evidence Modeling of protein sequence and biophysical properties (such as structural, functional, and spatial information, amino acid conservation, physicochemical variation, residue mobility, and thermodynamic stability) indicates that this missense variant is not expected to disrupt GATM protein function with a negative predictive value of 80%. In summary, the available evidence is currently insufficient to determine the role of this variant in disease. Therefore, it has been classified as a Variant of Uncertain Significance.